The following is an entry in ClinVar:

ClinVar aggregate classification (germline): Uncertain significance (1 of 4 stars; one submission).

Submission:

Labcorp Genetics (formerly Invitae), Labcorp
Classification: Uncertain significance. Last evaluated: 2022-08-22. Review status: criteria provided, single submitter. Criteria: Invitae Variant Classification Sherloc (09022015). Collection method: clinical testing. Allele origin: germline.
Comment: In summary, the available evidence is currently insufficient to determine the role of this variant in disease. Therefore, it has been classified as a Variant of Uncertain Significance. Algorithms developed to predict the effect of missense changes on protein structure and function are either unavailable or do not agree on the potential impact of this missense change (SIFT: "Deleterious"; PolyPhen-2: "Possibly Damaging"; Align-GVGD: "Class C0"). ClinVar contains an entry for this variant (Variation ID: 1384514). This variant has not been reported in the literature in individuals affected with EDNRB-related conditions. This variant is not present in population databases (gnomAD no frequency). This sequence change replaces isoleucine, which is neutral and non-polar, with leucine, which is neutral and non-polar, at codon 187 of the EDNRB protein (p.Ile187Leu).

NM_001122659.3(EDNRB):c.559A>C (p.Ile187Leu)

Genes: EDNRB (endothelin receptor type B; minus strand), EDNRB-AS1 (EDNRB antisense RNA 1; plus strand). Cytogenetic location: 13q22.3.
Variant type: single nucleotide variant.
Coding change: c.559A>C on transcript NM_001122659.3 (MANE Select); coding-DNA position 559, A replaced by C.
Protein change: p.Ile187Leu; replaces isoleucine 187 with leucine.
Molecular consequence: missense variant.
Genome position (GRCh38, 1-based): chr13:77,903,532, T>G on the plus strand (A>C on the coding strand, the complement: EDNRB is on the minus strand). VCF-style: chr13-77903532-T-G. GRCh37 (hg19) VCF-style: chr13-78477667-T-G.
Other names: c.559A>C, p.Ile187Leu (NM_003991.4, NM_000115.5); c.829A>C, p.Ile277Leu (NM_001201397.2); short protein forms I187L, I277L.
Identifiers: ClinVar variation 1384514 (VCV001384514.6), dbSNP rs2137611967, ClinGen allele CA388451409.